The following is an entry in ClinVar:

NM_145207.3(AFG2A):c.2505+6A>G

Gene: AFG2A (AAA ATPase AFG2A; plus strand). Cytogenetic location: 4q28.1.
Variant type: single nucleotide variant.
Coding change: c.2505+6A>G on transcript NM_145207.3 (MANE Select); 6 bases into the intron after coding-DNA position 2505, A replaced by G.
Molecular consequence: intron variant.
Genome position (GRCh38, 1-based): chr4:123,256,186, A>G. VCF-style: chr4-123256186-A-G. GRCh37 (hg19) VCF-style: chr4-124177341-A-G.
Other names: c.2502+6A>G (NM_001345856.2).
Identifiers: ClinVar variation 3025893 (VCV003025893.22), dbSNP rs1741473141, ClinGen allele CA1490644655.

ClinVar aggregate classification (germline): Uncertain significance (1 of 4 stars; one submission).

Submission:

CeGaT Center for Human Genetics Tuebingen
Classification: Uncertain significance. Last evaluated: 2024-01-01. Review status: criteria provided, single submitter. Criteria: CeGaT Center For Human Genetics Tuebingen Variant Classification Criteria Version 2. Collection method: clinical testing. Allele origin: germline. Affected: yes. Observed: 1 variant allele.
Comment: AFG2A: PM2, PM3:Supporting, BP4